The following is an entry in ClinVar:

ClinVar aggregate classification (germline): Conflicting classifications of pathogenicity. Review status: criteria provided, conflicting classifications (1 of 4 stars). 5 submissions from 5 submitters: Uncertain significance (1); Likely benign (4). Last evaluated 2026-04-10.

Conditions:
Autosomal recessive limb-girdle muscular dystrophy type 2J (LGMDR10). Also called: MUSCULAR DYSTROPHY, LIMB-GIRDLE, AUTOSOMAL RECESSIVE 10; Limb-girdle muscular dystrophy, type 2J. Identifiers: Orphanet 140922, MedGen C1837342, MONDO:0012127, OMIM 608807.
Dilated cardiomyopathy 1G (CMD1G). Identifiers: Orphanet 154, MedGen C1858763, MONDO:0011400, OMIM 604145.
TTN-related disorder. Also called: TTN-related condition; TTN-related disease; TTN-related disorders.
Cardiovascular phenotype. Identifiers: MedGen CN230736.

Allele frequency attached by ClinVar (database versions not stated): TOPMed 0.00004; gnomAD 0.00007 and 0.00008.
gnomAD v4.1: 17 of 1,605,324 alleles (0.0011%); highest among the groups gnomAD compares: African/African-American, 0.023%; no homozygotes.

Submissions (5):

Women's Health and Genetics/Laboratory Corporation of America, LabCorp
Classification: Likely benign. Last evaluated: 2026-04-10. Review status: criteria provided, single submitter. Criteria: LabCorp Variant Classification Summary - May 2015. Collection method: clinical testing. Allele origin: germline.

Labcorp Genetics (formerly Invitae), Labcorp
Classification: Likely benign for Dilated cardiomyopathy 1G; Autosomal recessive limb-girdle muscular dystrophy type 2J. Last evaluated: 2026-01-26. Review status: criteria provided, single submitter. Criteria: Invitae Variant Classification Sherloc (09022015). Collection method: clinical testing. Allele origin: germline.

PreventionGenetics, part of Exact Sciences
Classification: Likely benign for TTN-related condition. Last evaluated: 2025-05-23. Review status: criteria provided, single submitter. Criteria: ACMG Guidelines, 2015. Collection method: clinical testing. Allele origin: germline.
Comment: This variant is classified as likely benign based on ACMG/AMP sequence variant interpretation guidelines (Richards et al. 2015 PMID: 25741868, with internal and published modifications).

Ambry Genetics
Classification: Likely benign for Cardiovascular phenotype. Last evaluated: 2021-11-09. Review status: criteria provided, single submitter. Criteria: Ambry Variant Classification Scheme 2023. Collection method: clinical testing. Allele origin: germline.

Eurofins Ntd Llc (ga)
Classification: Uncertain significance. Last evaluated: 2017-12-07. Review status: criteria provided, single submitter. Criteria: EGL Classification Definitions 2015. Collection method: clinical testing. Allele origin: germline. Observed: 1 variant allele, 1 heterozygote.

NM_001267550.2(TTN):c.3813T>C (p.Leu1271=)

Genes: TTN (titin; minus strand), LOC101927055 (uncharacterized LOC101927055; plus strand). Cytogenetic location: 2q31.2.
Variant type: single nucleotide variant.
Coding change: c.3813T>C on transcript NM_001267550.2 (MANE Select); coding-DNA position 3813, T replaced by C.
Protein change: p.Leu1271=; no amino-acid change (leucine 1271 retained).
Molecular consequence: synonymous variant.
Genome position (GRCh38, 1-based): chr2:178,779,379, A>G on the plus strand (T>C on the coding strand, the complement: TTN is on the minus strand). VCF-style: chr2-178779379-A-G. GRCh37 (hg19) VCF-style: chr2-179644106-A-G.
Other names: c.3813T>C, p.Leu1271= (NM_001256850.1, NM_133378.4, NM_133379.5); c.3675T>C, p.Leu1225= (NM_003319.4, NM_133432.3, NM_133437.4).
Identifiers: ClinVar variation 595301 (VCV000595301.17), dbSNP rs773274762, ClinGen allele CA2005462.
Genomic context (GRCh38, chr2:178,779,379, plus strand): 5'-TGATTCAACAGCTTCAGATTCAGAAATGTCAACTGCCATCTTTTCTTCTCCATCTTCTTC[A>G]AGAAGTTCTTCTAATGTAGTCTTTATTATTCTATATTCAATTTCTTTAATAAGTCTCTCT-3'
Protein context (NP_001254479.2, residues 1261-1281): RIIKTTLEEL[Leu1271=]EEDGEEKMAV